The following is an entry in ClinVar:

ClinVar aggregate classification (germline): Pathogenic (1 of 4 stars; one submission).

Submission:

Athena Diagnostics
Classification: Pathogenic. Last evaluated: 2024-11-14. Review status: criteria provided, single submitter. Criteria: Athena Diagnostics Criteria. Collection method: clinical testing. Allele origin: unknown.
Comment: This variant is expected to result in the loss of a functional protein. This variant has not been reported in large, multi-ethnic general populations. This variant has been identified in at least one individual tested at Athena Diagnostics with clinical features associated with this gene.

NM_014946.4(SPAST):c.291dup (p.Ala98fs)

Gene: SPAST (spastin; plus strand). Cytogenetic location: 2p22.3.
Variant type: Duplication.
Coding change: c.291dup on transcript NM_014946.4 (MANE Select); coding-DNA position 291, one base duplicated (A; older notation c.291dupA).
Protein change: p.Ala98fs; shifts the reading frame from alanine 98.
Molecular consequence: frameshift variant.
Genome position (GRCh38, 1-based): chr2:32,064,122, A duplicated. VCF-style (leftmost placement, unchanged base first): chr2-32064121-C-CA. GRCh37 (hg19) VCF-style: chr2-32289190-C-CA.
Other names: c.291dup, p.Ala98fs (NM_001363823.2, NM_001363875.2, NM_001377959.1 and 1 more transcripts); short protein forms A98fs.
Identifiers: ClinVar variation 3571882 (VCV003571882.1).